The following is an entry in ClinVar:

ClinVar aggregate classification (germline): Uncertain significance (1 of 4 stars; one submission).

Allele frequency attached by ClinVar (database versions not stated): gnomAD exomes below 0.00001.
gnomAD v4.1: 1 of 1,613,966 alleles (0.000062%); highest among the groups gnomAD compares: Admixed American, 0.0017%; no homozygotes.

Submission:

Labcorp Genetics (formerly Invitae), Labcorp
Classification: Uncertain significance. Last evaluated: 2018-01-05. Review status: criteria provided, single submitter. Criteria: Invitae Variant Classification Sherloc (09022015). Collection method: clinical testing. Allele origin: germline.
Comment: This variant has not been reported in the literature in individuals with DCHS1-related disease. Algorithms developed to predict the effect of missense changes on protein structure and function (SIFT, PolyPhen-2, Align-GVGD) all suggest that this variant is likely to be disruptive, but these predictions have not been confirmed by published functional studies and their clinical significance is uncertain. In summary, the available evidence is currently insufficient to determine the role of this variant in disease. Therefore, it has been classified as a Variant of Uncertain Significance. This sequence change replaces asparagine with serine at codon 1249 of the DCHS1 protein (p.Asn1249Ser). The asparagine residue is highly conserved and there is a small physicochemical difference between asparagine and serine. This variant is not present in population databases (ExAC no frequency).

NM_003737.4(DCHS1):c.3746A>G (p.Asn1249Ser)

Gene: DCHS1 (dachsous cadherin-related 1; minus strand). Cytogenetic location: 11p15.4.
Variant type: single nucleotide variant.
Coding change: c.3746A>G on transcript NM_003737.4 (MANE Select); coding-DNA position 3746, A replaced by G.
Protein change: p.Asn1249Ser; replaces asparagine 1249 with serine.
Molecular consequence: missense variant.
Genome position (GRCh38, 1-based): chr11:6,631,337, T>C on the plus strand (A>G on the coding strand, the complement: DCHS1 is on the minus strand). VCF-style: chr11-6631337-T-C. GRCh37 (hg19) VCF-style: chr11-6652568-T-C.
Other names: short protein forms N1249S.
Identifiers: ClinVar variation 1042829 (VCV001042829.8), dbSNP rs1855904273, ClinGen allele CA379409746.